The following is an entry in ClinVar:

ClinVar aggregate classification (germline): Uncertain significance (1 of 4 stars; one submission).

Conditions:
Anemia, nonspherocytic hemolytic, due to G6PD deficiency (CNSHA1). Also called: ANEMIA, CONGENITAL, NONSPHEROCYTIC HEMOLYTIC, 1; Hemolytic anemia due to G6PD deficiency; Class I glucose-6-phosphate dehydrogenase deficiency; Favism, susceptibility to. Identifiers: Orphanet 466026, MedGen C2720289, MONDO:0010480, OMIM 300908.

Allele frequency attached by ClinVar (database versions not stated): ExAC 0.00001; gnomAD exomes 0.00001; TOPMed 0.00002; gnomAD 0.00003; ESP Exome Variant Server 0.00009.
gnomAD v4.1: 7 of 1,210,744 alleles (0.00058%); highest among the groups gnomAD compares: Non-Finnish European, 0.00078%; no homozygotes.

Submission:

Labcorp Genetics (formerly Invitae), Labcorp
Classification: Uncertain significance for Anemia, nonspherocytic hemolytic, due to G6PD deficiency. Last evaluated: 2025-10-29. Review status: criteria provided, single submitter. Criteria: Invitae Variant Classification Sherloc (09022015). Collection method: clinical testing. Allele origin: germline.
Comment: This sequence change falls in intron 8 of the G6PD gene. It does not directly change the encoded amino acid sequence of the G6PD protein. It affects a nucleotide within the consensus splice site. This variant is present in population databases (rs372876649, gnomAD 0.001%). This variant has not been reported in the literature in individuals affected with G6PD-related conditions. ClinVar contains an entry for this variant (Variation ID: 655869). Variants that disrupt the consensus splice site are a relatively common cause of aberrant splicing (PMID: 17576681, 9536098). Algorithms developed to predict the effect of sequence changes on RNA splicing suggest that this variant is not likely to affect RNA splicing. In summary, the available evidence is currently insufficient to determine the role of this variant in disease. Therefore, it has been classified as a Variant of Uncertain Significance.

Literature cited by the submitters: PubMed 17576681; PubMed 9536098.

NM_001360016.2(G6PD):c.864+5G>A

Gene: G6PD (glucose-6-phosphate dehydrogenase; minus strand). Cytogenetic location: Xq28.
Variant type: single nucleotide variant.
Coding change: c.864+5G>A on transcript NM_001360016.2 (MANE Select); 5 bases into the intron after coding-DNA position 864, G replaced by A.
Molecular consequence: intron variant.
Genome position (GRCh38, 1-based): chrX:154,533,571, C>T on the plus strand (G>A on the coding strand, the complement: G6PD is on the minus strand). VCF-style: chrX-154533571-C-T. GRCh37 (hg19) VCF-style: chrX-153761786-C-T.
Other names: c.954+5G>A (NM_000402.4); c.864+5G>A (NM_001042351.3).
Identifiers: ClinVar variation 655869 (VCV000655869.6), dbSNP rs372876649, ClinGen allele CA10566133.